The following is an entry in ClinVar:

NM_024426.6(WT1):c.662G>T (p.Gly221Val)

Gene: WT1 (WT1 transcription factor; minus strand). Cytogenetic location: 11p13.
Variant type: single nucleotide variant.
Coding change: c.662G>T on transcript NM_024426.6 (MANE Select); coding-DNA position 662, G replaced by T.
Protein change: p.Gly221Val; replaces glycine 221 with valine.
Molecular consequence: missense variant. On other transcripts: non-coding transcript variant (1).
Genome position (GRCh38, 1-based): chr11:32,428,619, C>A on the plus strand (G>T on the coding strand, the complement: WT1 is on the minus strand). VCF-style: chr11-32428619-C-A. GRCh37 (hg19) VCF-style: chr11-32450165-C-A.
Other names: c.647G>T (NM_024426.4); c.662G>T, p.Gly221Val (NM_000378.6, NM_001407044.1, NM_001407045.1 and 4 more transcripts); c.11G>T, p.Gly4Val (NM_001198551.2, NM_001198552.2); c.-101G>T (NM_001407051.1); c.647G>T, p.Gly216Val (NM_024425.2); short protein forms G216V, G221V, G4V.
Identifiers: ClinVar variation 2176002 (VCV002176002.5), dbSNP rs369444006, ClinGen allele CA379963623.
Genomic context (GRCh38, chr11:32,428,619, plus strand): 5'-GCATGGTGCGAGGGCGTGTGACCGTAGCTGGGCGTCCCGTCGAAGGTGACCGTGCTGTAA[C>A]CTGCGGGAGCGGCGGAGAGAAGCACAGTGTCAGCGGTGCTCTCGCAAGACGGGGCAGTGG-3'
Protein context (NP_077744.4, residues 211-231): LESQPAIRNQ[Gly221Val]YSTVTFDGTP

ClinVar aggregate classification (germline): Uncertain significance. Review status: criteria provided, multiple submitters, no conflicts (2 of 4 stars). 2 submissions from 2 submitters: Uncertain significance (2). Last evaluated 2024-12-20.

Conditions:
Frasier syndrome. Identifiers: Orphanet 347, MedGen C0950122, MeSH D052159, MONDO:0007635, OMIM 136680.
Drash syndrome (DDS). Also called: WILMS TUMOR AND PSEUDO- OR TRUE HERMAPHRODITISM; NEPHROPATHY, WILMS TUMOR, AND GENITAL ANOMALIES. Identifiers: Orphanet 220, MedGen C0950121, MONDO:0008682, OMIM 194080.
Wilms tumor 1 (WT1). Also called: Wilms tumor, somatic. Identifiers: Orphanet 654, MedGen CN033288, MONDO:0008679, OMIM 194070.
11p partial monosomy syndrome (WAGR). Also called: WAGR syndrome; WAGR Complex; WAGR Spectrum Disorder; CHROMOSOME 11p13 DELETION SYNDROME. Identifiers: Orphanet 893, MedGen C0206115, MONDO:0008681, OMIM 194072.
Inborn genetic diseases. Identifiers: MedGen C0950123, MeSH D030342.

Submissions (2):

Ambry Genetics
Classification: Uncertain significance for Inborn genetic diseases. Last evaluated: 2024-12-20. Review status: criteria provided, single submitter. Criteria: Ambry Variant Classification Scheme 2023. Collection method: clinical testing. Allele origin: germline.
Comment: The p.G216V variant (also known as c.647G>T) is located in coding exon 2 of the WT1 gene. The glycine at codon 216 is replaced by valine, an amino acid with dissimilar properties. This change occurs in the first base pair of coding exon 2. This amino acid position is conserved. In addition, this alteration is predicted to be deleterious by in silico analysis. Based on the available evidence, the clinical significance of this variant remains unclear.

Labcorp Genetics (formerly Invitae), Labcorp
Classification: Uncertain significance for Wilms tumor 1; Drash syndrome; 11p partial monosomy syndrome; Frasier syndrome. Last evaluated: 2022-04-18. Review status: criteria provided, single submitter. Criteria: Invitae Variant Classification Sherloc (09022015). Collection method: clinical testing. Allele origin: germline.
Comment: In summary, the available evidence is currently insufficient to determine the role of this variant in disease. Therefore, it has been classified as a Variant of Uncertain Significance. Algorithms developed to predict the effect of missense changes on protein structure and function (SIFT, PolyPhen-2, Align-GVGD) all suggest that this variant is likely to be tolerated. This variant has not been reported in the literature in individuals affected with WT1-related conditions. This variant is not present in population databases (gnomAD no frequency). This sequence change replaces glycine, which is neutral and non-polar, with valine, which is neutral and non-polar, at codon 216 of the WT1 protein (p.Gly216Val).